The following is an entry in ClinVar:

ClinVar aggregate classification (germline): Pathogenic (1 of 4 stars; one submission).

Conditions:
CNNM2-Related Disorders.

Submission:

Women's Health and Genetics/Laboratory Corporation of America, LabCorp
Classification: Pathogenic for CNNM2-Related Disorders. Last evaluated: 2024-07-09. Review status: criteria provided, single submitter. Criteria: LabCorp Variant Classification Summary - May 2015. Collection method: clinical testing. Allele origin: germline.
Comment: Variant summary: CNNM2 c.1936delG (p.Glu646ArgfsX5) results in a premature termination codon, predicted to cause a truncation of the encoded protein or absence of the protein due to nonsense mediated decay, which are commonly known mechanisms for disease. The variant was absent in 249416 control chromosomes. To our knowledge, no occurrence of c.1936delG in individuals affected with CNNM2-Related Disorders and no experimental evidence demonstrating its impact on protein function have been reported. No submitters have cited clinical-significance assessments for this variant to ClinVar. Based on the evidence outlined above, the variant was classified as pathogenic.

NM_017649.5(CNNM2):c.1936del (p.Glu646fs)

Gene: CNNM2 (cyclin and CBS domain divalent metal cation transport mediator 2; plus strand). Cytogenetic location: 10q24.32.
Variant type: Deletion.
Coding change: c.1936del on transcript NM_017649.5 (MANE Select); coding-DNA position 1936, one base deleted (G; older notation c.1936delG).
Protein change: p.Glu646fs; shifts the reading frame from glutamic acid 646.
Molecular consequence: frameshift variant.
Genome position (GRCh38, 1-based): chr10:103,056,827, G deleted. VCF-style (leftmost placement, unchanged base first): chr10-103056826-AG-A. GRCh37 (hg19) VCF-style: chr10-104816583-AG-A.
Other names: c.1936del, p.Glu646fs (NM_199076.3); c.1936delG (NM_017649.5); short protein forms E646fs.
Identifiers: ClinVar variation 3339041 (VCV003339041.1).
Genomic context (GRCh38, chr10:103,056,826, plus strand): 5'-GTAATATCAAGTTGTGTTTATATCTATAGAAGTAGAAGCATTTAGCCCATCCCAGATGTC[AG>A]AGAAGATCCTTCTAAGGCTGCTAAAGCACCCCAATGTCATCCAGGAACTGAAATATGATG-3'